The following is an entry in ClinVar:

ClinVar aggregate classification (germline): Uncertain significance. Review status: criteria provided, multiple submitters, no conflicts (2 of 4 stars). 5 submissions from 5 submitters: Uncertain significance (5). Last evaluated 2025-10-01.

Conditions:
Hereditary nonpolyposis colorectal neoplasms. Identifiers: MedGen C0009405, MeSH D003123.
Hereditary cancer-predisposing syndrome. Also called: Tumor predisposition; Hereditary Cancer Syndrome; Hereditary neoplastic syndrome; Neoplastic Syndromes, Hereditary. Identifiers: Orphanet 140162, MedGen C0027672, MeSH D009386, MONDO:0015356.
Lynch syndrome. Identifiers: Orphanet 144, MedGen C4552100, MONDO:0005835. Disease mechanism: loss of function.
Lynch syndrome 4 (LYNCH4). Also called: Colorectal cancer, hereditary nonpolyposis, type 4; Hereditary non-polyposis colorectal cancer, type 4. Identifiers: Orphanet 144, MedGen C1838333, MONDO:0013699, OMIM 614337. Disease mechanism: loss of function.

Allele frequency attached by ClinVar (database versions not stated): gnomAD exomes 0.00001.
gnomAD v4.1: 12 of 1,610,696 alleles (0.00075%); highest among the groups gnomAD compares: Non-Finnish European, 0.001%; no homozygotes.

Submissions (5):

Labcorp Genetics (formerly Invitae), Labcorp
Classification: Uncertain significance for Hereditary nonpolyposis colorectal neoplasms. Last evaluated: 2025-10-01. Review status: criteria provided, single submitter. Criteria: Invitae Variant Classification Sherloc (09022015). Collection method: clinical testing. Allele origin: germline.
Comment: This sequence change replaces aspartic acid, which is acidic and polar, with histidine, which is basic and polar, at codon 19 of the PMS2 protein (p.Asp19His). This variant is not present in population databases (gnomAD no frequency). This variant has not been reported in the literature in individuals affected with PMS2-related conditions. ClinVar contains an entry for this variant (Variation ID: 486939). Invitae Evidence Modeling incorporating data from in vitro experimental studies (internal data) indicates that this missense variant is not expected to disrupt PMS2 function with a negative predictive value of 95%. In summary, the available evidence is currently insufficient to determine the role of this variant in disease. Therefore, it has been classified as a Variant of Uncertain Significance.

Baylor Genetics
Classification: Uncertain significance for Lynch syndrome 4. Last evaluated: 2024-03-18. Review status: criteria provided, single submitter. Criteria: ACMG Guidelines, 2015. Collection method: clinical testing. Allele origin: unknown.

All of Us Research Program, National Institutes of Health
Classification: Uncertain significance for Lynch syndrome. Last evaluated: 2024-03-05. Review status: criteria provided, single submitter. Criteria: ACMG Guidelines, 2015. Collection method: clinical testing. Allele origin: germline. Inheritance: Autosomal dominant inheritance. Observed: 1 variant allele, 1 heterozygote.
Comment: This study involves interpretation of variants in research participants for the purpose of population health screening. Participant phenotype was not available at the time of variant classification. Additional details can be found in publication PMID: 35346344, PMCID: PMC8962531

Ambry Genetics
Classification: Uncertain significance for Hereditary cancer-predisposing syndrome. Last evaluated: 2021-03-31. Review status: criteria provided, single submitter. Criteria: Ambry Variant Classification Scheme 2023. Collection method: clinical testing. Allele origin: germline.
Comment: The p.D19H variant (also known as c.55G>C), located in coding exon 2 of the PMS2 gene, results from a G to C substitution at nucleotide position 55. The aspartic acid at codon 19 is replaced by histidine, an amino acid with similar properties. This amino acid position is highly conserved in available vertebrate species. In addition, this alteration is predicted to be deleterious by in silico analysis. Since supporting evidence is limited at this time, the clinical significance of this alteration remains unclear.

Quest Diagnostics Nichols Institute San Juan Capistrano
Classification: Uncertain significance. Last evaluated: 2020-07-16. Review status: criteria provided, single submitter. Criteria: Quest Diagnostics criteria. Collection method: clinical testing. Allele origin: unknown.

NM_000535.7(PMS2):c.55G>C (p.Asp19His)

Gene: PMS2 (PMS1 homolog 2, mismatch repair system component; minus strand). Cytogenetic location: 7p22.1.
Variant type: single nucleotide variant.
Coding change: c.55G>C on transcript NM_000535.7 (MANE Select); coding-DNA position 55, G replaced by C.
Protein change: p.Asp19His; replaces aspartic acid 19 with histidine.
Molecular consequence: missense variant. On other transcripts: 5 prime UTR variant (8), non-coding transcript variant (1), intron variant (3).
Genome position (GRCh38, 1-based): chr7:6,006,000, C>G on the plus strand (G>C on the coding strand, the complement: PMS2 is on the minus strand). VCF-style: chr7-6006000-C-G. GRCh37 (hg19) VCF-style: chr7-6045631-C-G.
Other names: c.-351G>C (NM_001322003.2, NM_001322005.2, NM_001322009.2 and 1 more transcripts); c.55G>C, p.Asp19His (NM_001322006.2, NM_001322014.2); c.-161G>C (NM_001322007.2); c.-830G>C (NM_001322011.2, NM_001322012.2); c.-430G>C (NM_001322015.2); c.-52-1942G>C (NM_001322008.2); c.-242-1942G>C (NM_001322010.2, NM_001322004.2); short protein forms D19H.
Identifiers: ClinVar variation 486939 (VCV000486939.17), dbSNP rs1554306568, ClinGen allele CA366745145.